The following is an entry in ClinVar:

NM_000393.5(COL5A2):c.1913C>T (p.Pro638Leu)

Gene: COL5A2 (collagen type V alpha 2 chain; minus strand). Cytogenetic location: 2q32.2.
Variant type: single nucleotide variant.
Coding change: c.1913C>T on transcript NM_000393.5 (MANE Select); coding-DNA position 1913, C replaced by T.
Protein change: p.Pro638Leu; replaces proline 638 with leucine.
Molecular consequence: missense variant.
Genome position (GRCh38, 1-based): chr2:189,063,020, G>A on the plus strand (C>T on the coding strand, the complement: COL5A2 is on the minus strand). VCF-style: chr2-189063020-G-A. GRCh37 (hg19) VCF-style: chr2-189927746-G-A.
Other names: short protein forms P638L.
Identifiers: ClinVar variation 1782533 (VCV001782533.7), dbSNP rs775651794, ClinGen allele CA2022532.

ClinVar aggregate classification (germline): Conflicting classifications of pathogenicity. Review status: criteria provided, conflicting classifications (1 of 4 stars). 2 submissions from 2 submitters: Uncertain significance (1); Likely benign (1). Last evaluated 2025-11-05.

Conditions:
Ehlers-Danlos syndrome, classic type, 1 (EDSCL1). Also called: Ehlers-Danlos syndrome, type 1; Ehlers-Danlos Syndrome, Classic Type, COL5A1-Related; EDS I; EHLERS-DANLOS SYNDROME, GRAVIS TYPE; EHLERS-DANLOS SYNDROME, SEVERE CLASSIC TYPE. Identifiers: MedGen C0268335, MONDO:0019567, OMIM 130000.
Familial thoracic aortic aneurysm and aortic dissection (TAAD). Also called: Thoracic aortic aneurysms and dissections. Identifiers: Orphanet 91387, MedGen C4707243, MONDO:0019625.

Allele frequency attached by ClinVar (database versions not stated): ExAC 0.00008; TOPMed below 0.00001; gnomAD exomes 0.00003.
gnomAD v4.1: 15 of 1,614,118 alleles (0.00093%); highest among the groups gnomAD compares: Non-Finnish European, 0.0013%; no homozygotes.

Submissions (2):

Labcorp Genetics (formerly Invitae), Labcorp
Classification: Likely benign for Ehlers-Danlos syndrome, classic type, 1. Last evaluated: 2025-11-05. Review status: criteria provided, single submitter. Criteria: Invitae Variant Classification Sherloc (09022015). Collection method: clinical testing. Allele origin: germline.

Ambry Genetics
Classification: Uncertain significance for Familial thoracic aortic aneurysm and aortic dissection. Last evaluated: 2023-12-12. Review status: criteria provided, single submitter. Criteria: Ambry Variant Classification Scheme 2023. Collection method: clinical testing. Allele origin: germline.
Comment: The p.P638L variant (also known as c.1913C>T), located in coding exon 28 of the COL5A2 gene, results from a C to T substitution at nucleotide position 1913. The proline at codon 638 is replaced by leucine, an amino acid with similar properties. This amino acid position is well conserved in available vertebrate species. In addition, the in silico prediction for this alteration is inconclusive. Since supporting evidence is limited at this time, the clinical significance of this alteration remains unclear.